The following is an entry in ClinVar:

NM_016816.4(OAS1):c.374G>A (p.Arg125His)

Gene: OAS1 (2'-5'-oligoadenylate synthetase 1; plus strand). Cytogenetic location: 12q24.13.
Variant type: single nucleotide variant.
Coding change: c.374G>A on transcript NM_016816.4 (MANE Select); coding-DNA position 374, G replaced by A.
Protein change: p.Arg125His; replaces arginine 125 with histidine.
Molecular consequence: missense variant. On other transcripts: non-coding transcript variant (9), intron variant (4).
Genome position (GRCh38, 1-based): chr12:112,908,729, G>A. VCF-style: chr12-112908729-G-A. GRCh37 (hg19) VCF-style: chr12-113346534-G-A.
Other names: c.374G>A, p.Arg125His (NM_001032409.3, NM_001320151.2, NM_001406020.1 and 7 more transcripts); c.180+1510G>A (NM_001406030.1, NM_001406029.1, NM_001406027.1 and 1 more transcripts); short protein forms R125H.
Identifiers: ClinVar variation 2909878 (VCV002909878.3), dbSNP rs772158833, ClinGen allele CA6799748.

ClinVar aggregate classification (germline): Uncertain significance (1 of 4 stars; one submission).

Allele frequency attached by ClinVar (database versions not stated): gnomAD exomes below 0.00001; ExAC 0.00001; TOPMed 0.00001.
gnomAD v4.1: 4 of 1,614,214 alleles (0.00025%); highest among the groups gnomAD compares: Admixed American, 0.0017%; no homozygotes.

Submission:

Labcorp Genetics (formerly Invitae), Labcorp
Classification: Uncertain significance. Last evaluated: 2023-06-19. Review status: criteria provided, single submitter. Criteria: Invitae Variant Classification Sherloc (09022015). Collection method: clinical testing. Allele origin: germline.
Comment: In summary, the available evidence is currently insufficient to determine the role of this variant in disease. Therefore, it has been classified as a Variant of Uncertain Significance. Algorithms developed to predict the effect of missense changes on protein structure and function output the following: SIFT: "Not Available"; PolyPhen-2: "Benign"; Align-GVGD: "Not Available". The histidine amino acid residue is found in multiple mammalian species, which suggests that this missense change does not adversely affect protein function. This variant has not been reported in the literature in individuals affected with OAS1-related conditions. This variant is present in population databases (rs772158833, gnomAD 0.003%). This sequence change replaces arginine, which is basic and polar, with histidine, which is basic and polar, at codon 125 of the OAS1 protein (p.Arg125His).